The following is an entry in ClinVar:

NM_020338.4(ZMIZ1):c.1021T>G (p.Ser341Ala)

Gene: ZMIZ1 (zinc finger MIZ-type containing 1; plus strand). Cytogenetic location: 10q22.3.
Variant type: single nucleotide variant.
Coding change: c.1021T>G on transcript NM_020338.4 (MANE Select); coding-DNA position 1021, T replaced by G.
Protein change: p.Ser341Ala; replaces serine 341 with alanine.
Molecular consequence: missense variant.
Genome position (GRCh38, 1-based): chr10:79,293,444, T>G. VCF-style: chr10-79293444-T-G. GRCh37 (hg19) VCF-style: chr10-81053201-T-G.
Other names: short protein forms S341A.
Identifiers: ClinVar variation 1805888 (VCV001805888.3), dbSNP rs776146773, ClinGen allele CA5572514.

ClinVar aggregate classification (germline): Uncertain significance. Review status: criteria provided, multiple submitters, no conflicts (2 of 4 stars). 2 submissions from 2 submitters: Uncertain significance (2). Last evaluated 2025-11-23.

Conditions:
Inborn genetic diseases. Identifiers: MedGen C0950123, MeSH D030342.
Neurodevelopmental disorder with dysmorphic facies and distal skeletal anomalies. Identifiers: MedGen C5231448, MONDO:0032855, OMIM 618659.

Allele frequency attached by ClinVar (database versions not stated): ExAC 0.00001; TOPMed 0.00002; gnomAD 0.00002; gnomAD exomes 0.00002.
gnomAD v4.1: 28 of 1,536,876 alleles (0.0018%); highest among the groups gnomAD compares: Non-Finnish European, 0.0021%; no homozygotes.

Submissions (2):

Ambry Genetics
Classification: Uncertain significance for Inborn genetic diseases. Last evaluated: 2025-11-23. Review status: criteria provided, single submitter. Criteria: Ambry Variant Classification Scheme 2023. Collection method: clinical testing. Allele origin: germline.

Victorian Clinical Genetics Services, Murdoch Childrens Research Institute
Classification: Uncertain significance for Neurodevelopmental disorder with dysmorphic facies and distal skeletal anomalies. Last evaluated: 2023-07-16. Review status: criteria provided, single submitter. Criteria: ACMG Guidelines, 2015. Collection method: clinical testing. Allele origin: germline. Inheritance: Autosomal dominant inheritance. Affected: yes.
Comment: Based on the classification scheme VCGS_Germline_v1.3.4, this variant is classified as VUS-3C. Following criteria are met: 0102 - Loss of function is a known mechanism of disease in this gene and is associated with neurodevelopmental disorder with dysmorphic facies and distal skeletal anomalies (MIM#618659). (I) 0107 - This gene is associated with autosomal dominant disease. (I) 0200 - Variant is predicted to result in a missense amino acid change from serine to alanine. (I) 0251 - This variant is heterozygous. (I) 0302 - Variant is present in gnomAD (v3) <0.001 for a dominant condition (3 heterozygotes, 0 homozygotes). (SP) 0502 - Missense variant with benign in silico predictions and high conservation. (I) 0604 - Variant is not located in an established domain, motif, hotspot or informative constraint region. (I) 0705 - No comparable missense variants have previous evidence for pathogenicity. (I) 0807 - This variant has no previous evidence of pathogenicity. (I) 0905 - No published segregation evidence has been identified for this variant. (I) 1007 - No published functional evidence has been identified for this variant. (I) 1208 - Inheritance information for this variant is not currently available in this individual. (I) Legend: (SP) - Supporting pathogenic, (I) - Information, (SB) - Supporting benign